The following is an entry in ClinVar:

ClinVar aggregate classification (germline): Conflicting classifications of pathogenicity. Review status: criteria provided, conflicting classifications (1 of 4 stars). 2 submissions from 2 submitters: Uncertain significance (1); Likely benign (1). Last evaluated 2022-04-07.

Allele frequency attached by ClinVar (database versions not stated): gnomAD exomes below 0.00001; gnomAD 0.00001.
gnomAD v4.1: 5 of 1,613,372 alleles (0.00031%); highest among the groups gnomAD compares: South Asian, 0.0055%; no homozygotes.

Submissions (2):

GeneDx
Classification: Uncertain significance. Last evaluated: 2022-04-07. Review status: criteria provided, single submitter. Criteria: GeneDx Variant Classification Process June 2021. Collection method: clinical testing. Allele origin: germline. Affected: yes.
Comment: Has not been previously published as pathogenic or benign to our knowledge; Not observed at significant frequency in large population cohorts (gnomAD); In silico analysis supports that this missense variant has a deleterious effect on protein structure/function

Blueprint Genetics
Classification: Likely benign. Last evaluated: 2021-02-02. Review status: criteria provided, single submitter. Criteria: ACMG Guidelines, 2015. Collection method: clinical testing. Allele origin: germline.

NM_003070.5(SMARCA2):c.154A>G (p.Ser52Gly)

Gene: SMARCA2 (SWI/SNF related BAF chromatin remodeling complex subunit ATPase 2; plus strand). Cytogenetic location: 9p24.3.
Variant type: single nucleotide variant.
Coding change: c.154A>G on transcript NM_003070.5 (MANE Select); coding-DNA position 154, A replaced by G.
Protein change: p.Ser52Gly; replaces serine 52 with glycine.
Molecular consequence: missense variant.
Genome position (GRCh38, 1-based): chr9:2,029,176, A>G. VCF-style: chr9-2029176-A-G. GRCh37 (hg19) VCF-style: chr9-2029176-A-G.
Other names: c.154A>G, p.Ser52Gly (NM_001289396.2, NM_001289397.2, NM_139045.4); short protein forms S52G.
Identifiers: ClinVar variation 1708599 (VCV001708599.3), dbSNP rs763439455, ClinGen allele CA4962763.